The following is an entry in ClinVar:

ClinVar aggregate classification (germline): Likely pathogenic (1 of 4 stars; one submission).

Conditions:
Autoimmune lymphoproliferative syndrome type 2B. Also called: AUTOIMMUNE LYMPHOPROLIFERATIVE SYNDROME, TYPE IIB. Identifiers: Orphanet 275517, MedGen C1846545, MONDO:0011804, OMIM 607271.

Submission:

Labcorp Genetics (formerly Invitae), Labcorp
Classification: Likely pathogenic for Autoimmune lymphoproliferative syndrome type 2B. Last evaluated: 2023-11-14. Review status: criteria provided, single submitter. Criteria: Invitae Variant Classification Sherloc (09022015). Collection method: clinical testing. Allele origin: germline.
Comment: This variant results in a copy number gain of the genomic region encompassing exon(s) 8 of the CASP8 gene. While the exact position of this variant cannot be determined from the data, sub-genic copy number gains are generally in tandem (PMID: 25640679). This variant is predicted to be out-of-frame, and may result in an absent or disrupted protein product. Loss-of-function variants in CASP8 are known to be pathogenic (PMID: 12353035, 25814141). This variant has not been reported in the literature in individuals affected with CASP8-related conditions. In summary, the currently available evidence indicates that the variant is pathogenic, but additional data are needed to prove that conclusively. Therefore, this variant has been classified as Likely Pathogenic.

Literature cited by the submitters: PubMed 25640679; PubMed 12353035; PubMed 25814141.

NC_000002.12:g.(?_201276807)_(201276988_?)dup

Gene: CASP8 (caspase 8; plus strand). Cytogenetic location: 2q33.1.
Variant type: Duplication.
Identifiers: ClinVar variation 830621 (VCV000830621.3).